The following is an entry in ClinVar:

ClinVar aggregate classification (germline): Uncertain significance (1 of 4 stars; one submission).

Conditions:
Early-infantile DEE. Also called: Ohtahara syndrome; Early infantile epileptic encephalopathy with suppression bursts; Early infantile epileptic encephalopathy. Identifiers: Orphanet 1934, MedGen C0393706, MONDO:0800491.

Allele frequency attached by ClinVar (database versions not stated): gnomAD exomes below 0.00001; gnomAD 0.00001; TOPMed 0.00001.
gnomAD v4.1: 5 of 1,613,354 alleles (0.00031%); highest among the groups gnomAD compares: African/African-American, 0.0027%; no homozygotes.

Submission:

Labcorp Genetics (formerly Invitae), Labcorp
Classification: Uncertain significance for Early-infantile DEE. Last evaluated: 2024-07-06. Review status: criteria provided, single submitter. Criteria: Invitae Variant Classification Sherloc (09022015). Collection method: clinical testing. Allele origin: germline.
Comment: This sequence change affects codon 389 of the SCN1A mRNA. It is a 'silent' change, meaning that it does not change the encoded amino acid sequence of the SCN1A protein. This variant is present in population databases (no rsID available, gnomAD 0.004%). This variant has not been reported in the literature in individuals affected with SCN1A-related conditions. ClinVar contains an entry for this variant (Variation ID: 2167267). Algorithms developed to predict the effect of sequence changes on RNA splicing suggest that this variant may disrupt the consensus splice site. In summary, the available evidence is currently insufficient to determine the role of this variant in disease. Therefore, it has been classified as a Variant of Uncertain Significance.

NM_001165963.4(SCN1A):c.1167A>G (p.Gln389=)

Gene: SCN1A (sodium voltage-gated channel alpha subunit 1; minus strand). Cytogenetic location: 2q24.3.
Variant type: single nucleotide variant.
Coding change: c.1167A>G on transcript NM_001165963.4 (MANE Select); coding-DNA position 1167, A replaced by G.
Protein change: p.Gln389=; no amino-acid change (glutamine 389 retained).
Molecular consequence: synonymous variant. On other transcripts: 5 prime UTR variant (1), non-coding transcript variant (1).
Genome position (GRCh38, 1-based): chr2:166,047,630, T>C on the plus strand (A>G on the coding strand, the complement: SCN1A is on the minus strand). VCF-style: chr2-166047630-T-C. GRCh37 (hg19) VCF-style: chr2-166904140-T-C.
Other names: c.1167A>G, p.Gln389= (NM_001165964.3, NM_001202435.3, NM_001353948.2 and 10 more transcripts); c.-1259A>G (NM_001353961.2).
Identifiers: ClinVar variation 2167267 (VCV002167267.4), dbSNP rs1189160744, ClinGen allele CA429903130.